The following is an entry in ClinVar:

ClinVar aggregate classification (germline): Uncertain significance. Review status: criteria provided, multiple submitters, no conflicts (2 of 4 stars). 3 submissions from 3 submitters: Uncertain significance (3). Last evaluated 2024-01-01.

Conditions:
Polycystic kidney disease, adult type (PKD1). Also called: POLYCYSTIC KIDNEY DISEASE 1 WITH OR WITHOUT POLYCYSTIC LIVER DISEASE; Polycystic Kidney, Autosomal Dominant; Polycystic Kidney Disease 1, Autosomal Dominant; Polycystic kidney disease 1; Polycystic kidney disease 1, severe; POLYCYSTIC KIDNEY DISEASE, ADULT, TYPE I. Identifiers: MedGen C3149841, MONDO:0008263, OMIM 173900.

Allele frequency attached by ClinVar (database versions not stated): gnomAD 0.00001; TOPMed 0.00002.
gnomAD v4.1: 51 of 1,597,116 alleles (0.0032%); highest among the groups gnomAD compares: South Asian, 0.0067%; no homozygotes.

Submissions (3):

CeGaT Center for Human Genetics Tuebingen
Classification: Uncertain significance. Last evaluated: 2024-01-01. Review status: criteria provided, single submitter. Criteria: CeGaT Center For Human Genetics Tuebingen Variant Classification Criteria Version 2. Collection method: clinical testing. Allele origin: germline. Affected: yes. Observed: 1 variant allele.
Comment: PKD1: PM2

Blueprint Genetics
Classification: Uncertain significance. Last evaluated: 2022-05-12. Review status: criteria provided, single submitter. Criteria: ACMG Guidelines, 2015. Collection method: clinical testing. Allele origin: germline.

Center for Human Genetics and Genomic Medicine, Uniklinik Rwth Aachen
Classification: Uncertain significance for Polycystic kidney disease, adult type. Last evaluated: 2021-08-26. Review status: criteria provided, single submitter. Criteria: ACMG Guidelines, 2015. Collection method: clinical testing. Allele origin: unknown. Inheritance: Autosomal dominant inheritance. Affected: yes. Observed: 1 variant allele, 1 heterozygote.
Comment: To the best of our knowledge, the variant has not yet been reported in the literature or in the renowned PKD mutation database or ClinVar (as of July 23, 2021). In the dbSNP database (dbSNP151, rs780598231, status 23.07.2021) it is found with an allele frequency of A: 0.0019% (5/264690); G: 99.9981% (264685/264690) reported. In GnomAD it is given with a frequency of 0.001133% (3/264842) (status 23.07.2021). Bioinformatics prediction programs (SIFT, MutationTaster, Polyphen) evaluate the change inconsistently (CADDphred 22.9). Based on the current state of knowledge, the variant is to be classified as a "variant of uncertain clinical significance" (ACMG criteria).

NM_001009944.3(PKD1):c.12479C>T (p.Pro4160Leu)

Gene: PKD1 (polycystin 1, transient receptor potential channel interacting; minus strand). Cytogenetic location: 16p13.3.
Variant type: single nucleotide variant.
Coding change: c.12479C>T on transcript NM_001009944.3 (MANE Select); coding-DNA position 12479, C replaced by T.
Protein change: p.Pro4160Leu; replaces proline 4160 with leucine.
Molecular consequence: missense variant.
Genome position (GRCh38, 1-based): chr16:2,090,160, G>A on the plus strand (C>T on the coding strand, the complement: PKD1 is on the minus strand). VCF-style: chr16-2090160-G-A. GRCh37 (hg19) VCF-style: chr16-2140161-G-A.
Other names: c.12476C>T, p.Pro4159Leu (NM_000296.4); short protein forms P4159L, P4160L.
Identifiers: ClinVar variation 1210261 (VCV001210261.26), dbSNP rs780598231, ClinGen allele CA7828581.
Genomic context (GRCh38, chr16:2,090,160, plus strand): 5'-GCGCTGGGTGGGGGCACATCCGGGGATACCTTGGAGCCCCTGGAGGAGCGAGAGGGCAGC[G>A]GCTCCATCCCTTCAAAGCGGACTTTGTGGCGGAACTGGGGGCGGCACAGGGGCTCAGTCA-3'
Protein context (NP_001009944.3, residues 4150-4170): RHKVRFEGME[Pro4160Leu]LPSRSSRGSK